The following is an entry in ClinVar:

NM_001457.4(FLNB):c.3143C>G (p.Pro1048Arg)

Gene: FLNB (filamin B; plus strand). Cytogenetic location: 3p14.3.
Variant type: single nucleotide variant.
Coding change: c.3143C>G on transcript NM_001457.4 (MANE Select); coding-DNA position 3143, C replaced by G.
Protein change: p.Pro1048Arg; replaces proline 1048 with arginine.
Molecular consequence: missense variant.
Genome position (GRCh38, 1-based): chr3:58,123,109, C>G. VCF-style: chr3-58123109-C-G. GRCh37 (hg19) VCF-style: chr3-58108836-C-G.
Other names: c.3143C>G, p.Pro1048Arg (NM_001164317.2, NM_001164318.2, NM_001164319.2); short protein forms P1048R.
Identifiers: ClinVar variation 3635719 (VCV003635719.2).

ClinVar aggregate classification (germline): Uncertain significance (1 of 4 stars; one submission).

gnomAD v4.1: 1 of 1,614,120 alleles (0.000062%); highest among the groups gnomAD compares: African/African-American, 0.0013%; no homozygotes.

Submission:

Labcorp Genetics (formerly Invitae), Labcorp
Classification: Uncertain significance. Last evaluated: 2024-08-20. Review status: criteria provided, single submitter. Criteria: Invitae Variant Classification Sherloc (09022015). Collection method: clinical testing. Allele origin: germline.
Comment: This sequence change replaces proline, which is neutral and non-polar, with arginine, which is basic and polar, at codon 1048 of the FLNB protein (p.Pro1048Arg). This variant is not present in population databases (gnomAD no frequency). This variant has not been reported in the literature in individuals affected with FLNB-related conditions. Invitae Evidence Modeling of protein sequence and biophysical properties (such as structural, functional, and spatial information, amino acid conservation, physicochemical variation, residue mobility, and thermodynamic stability) indicates that this missense variant is not expected to disrupt FLNB protein function with a negative predictive value of 95%. In summary, the available evidence is currently insufficient to determine the role of this variant in disease. Therefore, it has been classified as a Variant of Uncertain Significance.